The following is an entry in ClinVar:

ClinVar aggregate classification (germline): Benign. Review status: criteria provided, multiple submitters, no conflicts (2 of 4 stars). 5 submissions from 5 submitters: Benign (3). 2 of the submissions do not count toward it. Last evaluated 2026-02-04.

Conditions:
TF-related disorder. Also called: TF-related condition.
Iron deficiency anemia. Identifiers: MedGen C0162316, MONDO:0001356, HP:0001891.
Atransferrinemia. Also called: Familial hypotransferrinemia. Identifiers: Orphanet 1195, MedGen C0521802, MONDO:0008846, OMIM 209300, HP:0012239.

Allele frequency attached by ClinVar (database versions not stated): gnomAD 0.04521 and 0.04529; gnomAD exomes 0.04926 and 0.05237; TOPMed 0.03373; 1000 Genomes Project 30x 0.02904; 1000 Genomes Project 0.03055; ExAC 0.05318.
gnomAD v4.1: 78,701 of 1,614,076 alleles (4.9%); highest among the groups gnomAD compares: Middle Eastern, 6.1%; 2,443 homozygotes.

Submissions (5):

Labcorp Genetics (formerly Invitae), Labcorp
Classification: Benign. Last evaluated: 2026-02-04. Review status: criteria provided, single submitter. Criteria: Invitae Variant Classification Sherloc (09022015). Collection method: clinical testing. Allele origin: germline.

Illumina Laboratory Services, Illumina
Classification: Benign for Atransferrinemia. Last evaluated: 2018-03-06. Review status: criteria provided, single submitter. Criteria: ICSL Variant Classification Criteria 13 December 2019. Collection method: clinical testing. Allele origin: germline.
Comment: This variant was observed in the ICSL laboratory as part of a predisposition screen in an ostensibly healthy population. It had not been previously curated by ICSL or reported in the Human Gene Mutation Database (HGMD: prior to June 1st, 2018), and was therefore a candidate for classification through an automated scoring system. Utilizing variant allele frequency, disease prevalence and penetrance estimates, and inheritance mode, an automated score was calculated to assess if this variant is too frequent to cause the disease. Based on the score and internal cut-off values, a variant classified as benign is not then subjected to further curation. The score for this variant resulted in a classification of benign for this disease.

Breakthrough Genomics
Classification: Benign. Review status: criteria provided, single submitter. Criteria: ACMG Guidelines, 2015. Collection method: not provided. Allele origin: germline. Inheritance: Autosomal recessive inheritance. Affected: yes.

PreventionGenetics, part of Exact Sciences
Classification: Likely benign for TF-related condition. Last evaluated: 2023-12-15. Review status: no assertion criteria provided. Collection method: clinical testing. Allele origin: germline. Not counted in ClinVar's aggregate classification.
Comment: This variant is classified as likely benign based on ACMG/AMP sequence variant interpretation guidelines (Richards et al. 2015 PMID: 25741868, with internal and published modifications).

OMIM
Classification: Uncertain significance for RECLASSIFIED - VARIANT OF UNKNOWN SIGNIFICANCE. Last evaluated: 2006-01-01. Review status: no assertion criteria provided. Collection method: literature only. Allele origin: germline. Not counted in ClinVar's aggregate classification.

Literature cited by the submitters: PubMed 12752114 (cited by OMIM); PubMed 16398662 (cited by OMIM); PubMed 11703331 (cited by OMIM).

NM_001063.4(TF):c.829G>A (p.Gly277Ser)

Gene: TF (transferrin; plus strand). Cytogenetic location: 3q22.1.
Variant type: single nucleotide variant.
Coding change: c.829G>A on transcript NM_001063.4 (MANE Select); coding-DNA position 829, G replaced by A.
Protein change: p.Gly277Ser; replaces glycine 277 with serine.
Molecular consequence: missense variant.
Genome position (GRCh38, 1-based): chr3:133,756,968, G>A. VCF-style: chr3-133756968-G-A. GRCh37 (hg19) VCF-style: chr3-133475812-G-A.
Other names: c.697G>A, p.Gly233Ser (NM_001354703.2); c.448G>A, p.Gly150Ser (NM_001354704.2); short protein forms G277S, G150S, G233S.
Identifiers: ClinVar variation 12622 (VCV000012622.15), dbSNP rs1799899, ClinGen allele CA122571.
Genomic context (GRCh38, chr3:133,756,968, plus strand): 5'-TACAAGGACTGCCACTTGGCCCAGGTCCCTTCTCATACCGTCGTGGCCCGAAGTATGGGC[G>A]GCAAGGAGGACTTGATCTGGGAGCTTCTCAACCAGGCCCAGGTATCCCCACCTGCCATCC-3'
Protein context (NP_001054.2, residues 267-287): SHTVVARSMG[Gly277Ser]KEDLIWELLN